The following is an entry in ClinVar:

NM_017999.5(RNF31):c.100C>T (p.Leu34Phe)

Gene: RNF31 (ring finger protein 31; plus strand). Cytogenetic location: 14q12.
Variant type: single nucleotide variant.
Coding change: c.100C>T on transcript NM_017999.5 (MANE Select); coding-DNA position 100, C replaced by T.
Protein change: p.Leu34Phe; replaces leucine 34 with phenylalanine.
Molecular consequence: missense variant. On other transcripts: intron variant (1).
Genome position (GRCh38, 1-based): chr14:24,147,798, C>T. VCF-style: chr14-24147798-C-T. GRCh37 (hg19) VCF-style: chr14-24617007-C-T.
Other names: c.-325-178C>T (NM_001310332.2); short protein forms L34F.
Identifiers: ClinVar variation 2971251 (VCV002971251.3), dbSNP rs746286639, ClinGen allele CA7125358.

ClinVar aggregate classification (germline): Uncertain significance (1 of 4 stars; one submission).

Allele frequency attached by ClinVar (database versions not stated): ExAC 0.00005; TOPMed 0.00001; gnomAD exomes 0.00002; gnomAD 0.00001.
gnomAD v4.1: 12 of 1,595,286 alleles (0.00075%); highest among the groups gnomAD compares: Admixed American, 0.021%; no homozygotes.

Submission:

Labcorp Genetics (formerly Invitae), Labcorp
Classification: Uncertain significance. Last evaluated: 2026-01-05. Review status: criteria provided, single submitter. Criteria: Invitae Variant Classification Sherloc (09022015). Collection method: clinical testing. Allele origin: germline.
Comment: This sequence change replaces leucine, which is neutral and non-polar, with phenylalanine, which is neutral and non-polar, at codon 34 of the RNF31 protein (p.Leu34Phe). This variant is present in population databases (rs746286639, gnomAD 0.03%). This variant has not been reported in the literature in individuals affected with RNF31-related conditions. ClinVar contains an entry for this variant (Variation ID: 2971251). An algorithm developed to predict the effect of missense changes on protein structure and function (PolyPhen-2) suggests that this variant is likely to be disruptive. In summary, the available evidence is currently insufficient to determine the role of this variant in disease. Therefore, it has been classified as a Variant of Uncertain Significance.